The following is an entry in ClinVar:

ClinVar aggregate classification (germline): Pathogenic (1 of 4 stars; one submission).

Conditions:
COL1A1-related disorder. Also called: COL1A1- related disease; COL1A1-related condition.

Submission:

3billion
Classification: Pathogenic for COL1A1-related disorder. Last evaluated: 2025-04-07. Review status: criteria provided, single submitter. Criteria: ACMG Guidelines, 2015. Collection method: clinical testing. Allele origin: germline. Affected: yes.
Comment: The variant is not observed in the gnomAD v4.1.0 dataset. Predicted Consequence/Location: Frameshift: predicted to result in a loss or disruption of normal protein function through nonsense-mediated decay (NMD) or protein truncation. Multiple pathogenic variants are reported downstream of the variant. The variant has been reported to be associated with COL1A1-related disorder (PMID: 16705691). The variant has been reported to be associated with COL1A1-related disorder (PMID: 16705691).

Literature cited by the submitters: PubMed 16705691.

NM_000088.4(COL1A1):c.3307_3314del (p.Gly1103fs)

Gene: COL1A1 (collagen type I alpha 1 chain; minus strand). Cytogenetic location: 17q21.33.
Variant type: Deletion.
Coding change: c.3307_3314del on transcript NM_000088.4 (MANE Select); coding-DNA positions 3307 to 3314, 8 bases deleted (GGCGACAG; older notation c.3307_3314delGGCGACAG).
Protein change: p.Gly1103fs; shifts the reading frame from glycine 1103.
Molecular consequence: frameshift variant.
Genome position (GRCh38, 1-based): chr17:50,187,931-50,187,938, CTGTCGCC deleted on the plus strand (GGCGACAG on the coding strand, the reverse complement: COL1A1 is on the minus strand); deleting any 8 consecutive bases within chr17:50,187,931-50,187,942 gives the same sequence; the c. name uses the placement nearest the transcript's 3' end. VCF-style (leftmost placement, unchanged base first): chr17-50187930-TCTGTCGCC-T. GRCh37 (hg19) VCF-style: chr17-48265291-TCTGTCGCC-T.
Other names: short protein forms G1103fs.
Identifiers: ClinVar variation 4293401 (VCV004293401.1).